The following is an entry in ClinVar:

ClinVar aggregate classification (germline): Conflicting classifications of pathogenicity. Review status: criteria provided, conflicting classifications (1 of 4 stars). 6 submissions from 6 submitters: Uncertain significance (5); Likely benign (1). Last evaluated 2025-07-22.

Conditions:
Cardiovascular phenotype. Identifiers: MedGen CN230736.
Dilated cardiomyopathy 1G (CMD1G). Identifiers: Orphanet 154, MedGen C1858763, MONDO:0011400, OMIM 604145.
Autosomal recessive limb-girdle muscular dystrophy type 2J (LGMDR10). Also called: Limb-girdle muscular dystrophy, type 2J; MUSCULAR DYSTROPHY, LIMB-GIRDLE, AUTOSOMAL RECESSIVE 10. Identifiers: Orphanet 140922, MedGen C1837342, MONDO:0012127, OMIM 608807.
TTN-related disorder. Also called: TTN-related condition; TTN-related disease; TTN-related disorders.
Cardiomyopathy (CMYO). Also called: Cardiomyopathies. Identifiers: Orphanet 167848, MedGen C0878544, MONDO:0004994, HP:0001638. Inheritance: Various modes of inheritance.

Allele frequency attached by ClinVar (database versions not stated): ExAC 0.00001; gnomAD 0.00002; gnomAD exomes 0.00002 and 0.00004; TOPMed 0.00002.
gnomAD v4.1: 64 of 1,613,862 alleles (0.004%); highest among the groups gnomAD compares: Non-Finnish European, 0.0053%; no homozygotes.

Submissions (6):

PreventionGenetics, part of Exact Sciences
Classification: Uncertain significance for TTN-related condition. Last evaluated: 2025-07-22. Review status: criteria provided, single submitter. Criteria: ACMG Guidelines, 2015. Collection method: clinical testing. Allele origin: germline.
Comment: The TTN c.104914G>A variant is predicted to result in the amino acid substitution p.Glu34972Lys. To our knowledge, this variant has not been reported in the literature. This variant is reported in 0.0053% of alleles in individuals of European (Non-Finnish) descent in gnomAD. At this time, the clinical significance of this variant is uncertain due to the absence of conclusive functional and genetic evidence.

Revvity Omics, Revvity
Classification: Uncertain significance. Last evaluated: 2024-10-03. Review status: criteria provided, single submitter. Criteria: ACMG Guidelines, 2015. Collection method: clinical testing. Allele origin: germline.

CHEO Genetics Diagnostic Laboratory, Children's Hospital of Eastern Ontario
Classification: Likely benign for Cardiomyopathy. Last evaluated: 2022-11-10. Review status: criteria provided, single submitter. Criteria: ACMG Guidelines, 2015. Collection method: clinical testing. Allele origin: germline.

Ambry Genetics
Classification: Uncertain significance for Cardiovascular phenotype. Last evaluated: 2020-07-15. Review status: criteria provided, single submitter. Criteria: Ambry Variant Classification Scheme 2023. Collection method: clinical testing. Allele origin: germline.
Comment: The p.E25907K variant (also known as c.77719G>A), located in coding exon 185 of the TTN gene, results from a G to A substitution at nucleotide position 77719. The glutamic acid at codon 25907 is replaced by lysine, an amino acid with similar properties. This amino acid position is not well conserved in available vertebrate species, and lysine is the reference amino acid in other vertebrate species. In addition, this alteration is predicted to be tolerated by in silico analysis. Since supporting evidence is limited at this time, the clinical significance of this alteration remains unclear.

Labcorp Genetics (formerly Invitae), Labcorp
Classification: Uncertain significance for Dilated cardiomyopathy 1G; Autosomal recessive limb-girdle muscular dystrophy type 2J. Last evaluated: 2017-07-21. Review status: criteria provided, single submitter. Criteria: Invitae Variant Classification Sherloc (09022015). Collection method: clinical testing. Allele origin: germline.

Laboratory for Molecular Medicine, Mass General Brigham Personalized Medicine
Classification: Uncertain significance. Last evaluated: 2016-07-13. Review status: criteria provided, single submitter. Criteria: LMM Criteria. Collection method: clinical testing. Allele origin: germline. Observed: 2 variant alleles.
Comment: It has also been identified in 1/66738 European chromosomes by the Exome A ggregation Consortium (ExAC; dbSNP rs727504918). Computational prediction tools and conservation analysis do not provide strong support for or against an impact to the protein. In summary, the clinical signif icance of the p.Glu32404Lys variant is uncertain.

NM_001267550.2(TTN):c.104914G>A (p.Glu34972Lys)

Genes: TTN (titin; minus strand), TTN-AS1 (TTN antisense RNA 1; plus strand). Cytogenetic location: 2q31.2.
Variant type: single nucleotide variant.
Coding change: c.104914G>A on transcript NM_001267550.2 (MANE Select); coding-DNA position 104914, G replaced by A.
Protein change: p.Glu34972Lys; replaces glutamic acid 34972 with lysine.
Molecular consequence: missense variant.
Genome position (GRCh38, 1-based): chr2:178,531,701, C>T on the plus strand (G>A on the coding strand, the complement: TTN is on the minus strand). VCF-style: chr2-178531701-C-T. GRCh37 (hg19) VCF-style: chr2-179396428-C-T.
Other names: c.97210G>A, p.Glu32404Lys (NM_133378.4); c.99991G>A, p.Glu33331Lys (NM_001256850.1); c.77719G>A, p.Glu25907Lys (NM_003319.4); c.78094G>A, p.Glu26032Lys (NM_133432.3); c.78295G>A, p.Glu26099Lys (NM_133437.4); short protein forms E32404K, E34972K, E26099K, E33331K, E25907K, E26032K.
Identifiers: ClinVar variation 179517 (VCV000179517.13), dbSNP rs727504918, ClinGen allele CA184576.
Genomic context (GRCh38, chr2:178,531,701, plus strand): 5'-TGGTGTAATGAATCTTACTGCTTTCTTGGAGTTCCACACCATTGTGGTACCATTTAACCT[C>T]GGCAGTTGGCTTAGACTGAACATTTAAAATAAAACGTGTATTTTGGCCACATGGTACCCT-3'
Protein context (NP_001254479.2, residues 34962-34982): ILNVQSKPTA[Glu34972Lys]VKWYHNGVEL